The following is an entry in ClinVar:

ClinVar aggregate classification (germline): Likely benign (1 of 4 stars; one submission).

Conditions:
CUBN-related disorder. Also called: CUBN-related condition.

gnomAD v4.1: 114 of 1,613,750 alleles (0.0071%); highest among the groups gnomAD compares: African/African-American, 0.0094%; no homozygotes.

Submission:

PreventionGenetics, part of Exact Sciences
Classification: Likely benign for CUBN-related condition. Last evaluated: 2024-11-09. Review status: criteria provided, single submitter. Criteria: ACMG Guidelines, 2015. Collection method: clinical testing. Allele origin: germline.
Comment: This variant is classified as likely benign based on ACMG/AMP sequence variant interpretation guidelines (Richards et al. 2015 PMID: 25741868, with internal and published modifications).

NM_001081.4(CUBN):c.6756G>A (p.Ala2252=)

Gene: CUBN (cubilin; minus strand). Cytogenetic location: 10p13.
Variant type: single nucleotide variant.
Coding change: c.6756G>A on transcript NM_001081.4 (MANE Select); coding-DNA position 6756, G replaced by A.
Protein change: p.Ala2252=; no amino-acid change (alanine 2252 retained).
Molecular consequence: synonymous variant.
Genome position (GRCh38, 1-based): chr10:16,920,028, C>T on the plus strand (G>A on the coding strand, the complement: CUBN is on the minus strand). VCF-style: chr10-16920028-C-T. GRCh37 (hg19) VCF-style: chr10-16962027-C-T.
Identifiers: ClinVar variation 4980166 (VCV004980166.1).